The following is an entry in ClinVar:

ClinVar aggregate classification (germline): Uncertain significance (1 of 4 stars; one submission).

Conditions:
Spastic paraplegia. Identifiers: MedGen C0037772, HP:0001258.

Submission:

Labcorp Genetics (formerly Invitae), Labcorp
Classification: Uncertain significance for Spastic paraplegia. Last evaluated: 2020-02-10. Review status: criteria provided, single submitter. Criteria: Invitae Variant Classification Sherloc (09022015). Collection method: clinical testing. Allele origin: germline.
Comment: This sequence change replaces glycine with cysteine at codon 529 of the CYP2U1 protein (p.Gly529Cys). The glycine residue is highly conserved and there is a large physicochemical difference between glycine and cysteine. In summary, the available evidence is currently insufficient to determine the role of this variant in disease. Therefore, it has been classified as a Variant of Uncertain Significance. Algorithms developed to predict the effect of missense changes on protein structure and function are either unavailable or do not agree on the potential impact of this missense change (SIFT: "Deleterious"; PolyPhen-2: "Probably Damaging"; Align-GVGD: "Class C0"). This variant has not been reported in the literature in individuals with CYP2U1-related conditions. This variant is not present in population databases (ExAC no frequency).

NM_183075.3(CYP2U1):c.1585G>T (p.Gly529Cys)

Gene: CYP2U1 (cytochrome P450 family 2 subfamily U member 1; plus strand). Cytogenetic location: 4q25.
Variant type: single nucleotide variant.
Coding change: c.1585G>T on transcript NM_183075.3 (MANE Select); coding-DNA position 1585, G replaced by T.
Protein change: p.Gly529Cys; replaces glycine 529 with cysteine.
Molecular consequence: missense variant.
Genome position (GRCh38, 1-based): chr4:107,950,373, G>T. VCF-style: chr4-107950373-G-T. GRCh37 (hg19) VCF-style: chr4-108871529-G-T.
Other names: short protein forms G529C.
Identifiers: ClinVar variation 649554 (VCV000649554.5), dbSNP rs1578736266, ClinGen allele CA357839949.